The following is an entry in ClinVar:

ClinVar aggregate classification (germline): Pathogenic (1 of 4 stars; one submission).

Submission:

Baylor Genetics
Classification: Pathogenic. Last evaluated: 2018-11-01. Review status: criteria provided, single submitter. Criteria: ACMG CNV Guidelines, 2011. Collection method: clinical testing. Allele origin: maternal. Affected: yes. Observed: 1 variant allele.
Comment: Duplications involving this region have been previously reported in patients with developmental delay, intellectual disability, muscular hypotonia and neuropsychiatric disorders, ADHD [PMID: 20506139, 22420048]

GRCh37/hg19 15q13.2-13.3(chr15:30654617-32445252)

Genes: ARHGAP11B (Rho GTPase activating protein 11B), CHRFAM7A (CHRNA7 (exons 5-10) and FAM7A (exons A-E) fusion; minus strand), CHRNA7 (cholinergic receptor nicotinic alpha 7 subunit), MTMR10 (myotubularin related protein 10; minus strand), FAN1 (FANCD2 and FANCI associated nuclease 1; plus strand) and 5 more. Cytogenetic location: 15q13.2-13.3.
Variant type: copy number gain.
Identifiers: ClinVar variation 625747 (VCV000625747.1).